The following is an entry in ClinVar:

ClinVar aggregate classification (germline): Conflicting classifications of pathogenicity. Review status: criteria provided, conflicting classifications (1 of 4 stars). 4 submissions from 4 submitters: Pathogenic (1); Uncertain significance (3). Last evaluated 2026-07-27.

Conditions:
SLC34A3-related disorder. Also called: SLC34A3-related condition.
Autosomal recessive hypophosphatemic bone disease (HHRH). Also called: HYPERCALCIURIC RICKETS; Hypophosphatemic rickets with hypercalciuria. Identifiers: Orphanet 157215, MedGen C1853271, MONDO:0009431, OMIM 241530.

Allele frequency attached by ClinVar (database versions not stated): gnomAD 0.00001; TOPMed 0.00002; gnomAD exomes 0.00004; ExAC 0.00005; ESP Exome Variant Server 0.00015.
gnomAD v4.1: 36 of 1,612,330 alleles (0.0022%); highest among the groups gnomAD compares: South Asian, 0.0088%; 1 homozygote.

Submissions (4):

PreventionGenetics, part of Exact Sciences
Classification: Uncertain significance for SLC34A3-related condition. Last evaluated: 2026-07-27. Review status: criteria provided, single submitter. Criteria: ACMG Guidelines, 2015. Collection method: clinical testing. Allele origin: germline.
Comment: The SLC34A3 c.1234C>T variant is predicted to result in the amino acid substitution p.Arg412Trp. This variant has been reported as compound heterozygous or heterozygous in individuals with SLC34A3 associated disorders (Abe et al. 2014. PubMed ID: 24924704; Suppl Table 4. Sadeghi-Alavijeh et al. 2023. PubMed ID: 37414395). This variant is reported in 0.013% of alleles in individuals of South Asian descent in gnomAD. At this time, the clinical significance of this variant is uncertain due to the absence of conclusive functional and genetic evidence.

Rare Kidney Stone Consortium and the Mayo Clinic Hyperoxaluria Center, Mayo Clinic
Classification: Pathogenic for Autosomal recessive hypophosphatemic bone disease. Last evaluated: 2025-10-03. Review status: criteria provided, single submitter. Criteria: ACMG Guidelines, 2015. Collection method: research. Allele origin: germline. Affected: yes. Observed: 1 variant allele.
Comment: ACMG:PM1, PM2, PM3, PP3, PP4

Fulgent Genetics
Classification: Uncertain significance for Autosomal recessive hypophosphatemic bone disease. Last evaluated: 2021-08-10. Review status: criteria provided, single submitter. Criteria: ACMG Guidelines, 2015. Collection method: clinical testing. Allele origin: unknown.

Labcorp Genetics (formerly Invitae), Labcorp
Classification: Uncertain significance. Last evaluated: 2020-06-13. Review status: criteria provided, single submitter. Criteria: Invitae Variant Classification Sherloc (09022015). Collection method: clinical testing. Allele origin: germline.
Comment: In summary, the available evidence is currently insufficient to determine the role of this variant in disease. Therefore, it has been classified as a Variant of Uncertain Significance. Algorithms developed to predict the effect of missense changes on protein structure and function (SIFT, PolyPhen-2, Align-GVGD) all suggest that this variant is likely to be disruptive, but these predictions have not been confirmed by published functional studies and their clinical significance is uncertain. This variant has not been reported in the literature in individuals with SLC34A3-related conditions. This variant is present in population databases (rs373242362, ExAC 0.01%). This sequence change replaces arginine with tryptophan at codon 412 of the SLC34A3 protein (p.Arg412Trp). The arginine residue is highly conserved and there is a moderate physicochemical difference between arginine and tryptophan.

Literature cited by the submitters: PubMed 24924704 (cited by Rare Kidney Stone Consortium and the Mayo Clinic Hyperoxaluria Center, Mayo Clinic); PubMed 37414395 (cited by Rare Kidney Stone Consortium and the Mayo Clinic Hyperoxaluria Center, Mayo Clinic); PubMed 40794449 (cited by Rare Kidney Stone Consortium and the Mayo Clinic Hyperoxaluria Center, Mayo Clinic).

NM_001177316.2(SLC34A3):c.1234C>T (p.Arg412Trp)

Gene: SLC34A3 (solute carrier family 34 member 3; plus strand). Cytogenetic location: 9q34.3.
Variant type: single nucleotide variant.
Coding change: c.1234C>T on transcript NM_001177316.2 (MANE Select); coding-DNA position 1234, C replaced by T.
Protein change: p.Arg412Trp; replaces arginine 412 with tryptophan.
Molecular consequence: missense variant.
Genome position (GRCh38, 1-based): chr9:137,234,630, C>T. VCF-style: chr9-137234630-C-T. GRCh37 (hg19) VCF-style: chr9-140129082-C-T.
Other names: c.1234C>T, p.Arg412Trp (NM_001177317.2, NM_080877.3); short protein forms R412W.
Identifiers: ClinVar variation 1042999 (VCV001042999.10), dbSNP rs373242362, ClinGen allele CA5364869.